The following is an entry in ClinVar:

ClinVar aggregate classification (germline): Uncertain significance (1 of 4 stars; one submission).

Allele frequency attached by ClinVar (database versions not stated): gnomAD exomes 0.00001; ExAC 0.00002.
gnomAD v4.1: 4 of 1,614,202 alleles (0.00025%); highest among the groups gnomAD compares: Admixed American, 0.0067%; no homozygotes.

Submission:

Labcorp Genetics (formerly Invitae), Labcorp
Classification: Uncertain significance. Last evaluated: 2023-02-18. Review status: criteria provided, single submitter. Criteria: Invitae Variant Classification Sherloc (09022015). Collection method: clinical testing. Allele origin: germline.
Comment: An algorithm developed to predict the effect of missense changes on protein structure and function (PolyPhen-2) suggests that this variant is likely to be tolerated. This variant has not been reported in the literature in individuals affected with FN1-related conditions. This variant is present in population databases (rs776998768, gnomAD 0.01%). This sequence change replaces histidine, which is basic and polar, with tyrosine, which is neutral and polar, at codon 2116 of the FN1 protein (p.His2116Tyr). In summary, the available evidence is currently insufficient to determine the role of this variant in disease. Therefore, it has been classified as a Variant of Uncertain Significance.

NM_212482.4(FN1):c.6346C>T (p.His2116Tyr)

Gene: FN1 (fibronectin 1; minus strand). Cytogenetic location: 2q35.
Variant type: single nucleotide variant.
Coding change: c.6346C>T on transcript NM_212482.4 (MANE Select); coding-DNA position 6346, C replaced by T.
Protein change: p.His2116Tyr; replaces histidine 2116 with tyrosine.
Molecular consequence: missense variant. On other transcripts: intron variant (3).
Genome position (GRCh38, 1-based): chr2:215,372,277, G>A on the plus strand (C>T on the coding strand, the complement: FN1 is on the minus strand). VCF-style: chr2-215372277-G-A. GRCh37 (hg19) VCF-style: chr2-216237000-G-A.
Other names: c.6346C>T, p.His2116Tyr (NM_001306129.2); c.5803C>T, p.His1935Tyr (NM_001306131.2, NM_212476.3); c.5728C>T, p.His1910Tyr (NM_001306132.2, NM_001365523.2); c.6076C>T, p.His2026Tyr (NM_001365517.2, NM_001365521.2); c.6073C>T, p.His2025Tyr (NM_001365518.2, NM_002026.4); c.6001C>T, p.His2001Tyr (NM_001365519.2, NM_001365522.2); c.5998C>T, p.His2000Tyr (NM_001365520.2, NM_212478.3); c.5705-262C>T (NM_212474.3); and 2 more; short protein forms H1910Y, H1935Y, H2000Y, H2025Y, H2116Y, H2026Y, H2001Y.
Identifiers: ClinVar variation 2711888 (VCV002711888.3), dbSNP rs776998768, ClinGen allele CA2093861.
Genomic context (GRCh38, chr2:215,372,277, plus strand): 5'-TGGGTTGCTGACCAGAAGTGCCAGGAAGCTGAATACCATTTCCAGTGTCATACCCAGGGT[G>A]GGTGACGAAAGGGGTCTTTTGAACTGTGGAAGGAACATCCAAGATCTCTGGTCCATGAAG-3'
Protein context (NP_997647.2, residues 2106-2126): STVQKTPFVT[His2116Tyr]PGYDTGNGIQ